The following is an entry in ClinVar:

ClinVar aggregate classification (germline): Pathogenic (1 of 4 stars; one submission).

gnomAD v4.1: 1 of 1,613,550 alleles (0.000062%); highest among the groups gnomAD compares: Non-Finnish European, 0.000085%; no homozygotes.

Submission:

Labcorp Genetics (formerly Invitae), Labcorp
Classification: Pathogenic. Last evaluated: 2021-12-15. Review status: criteria provided, single submitter. Criteria: Invitae Variant Classification Sherloc (09022015). Collection method: clinical testing. Allele origin: germline.
Comment: For these reasons, this variant has been classified as Pathogenic. Algorithms developed to predict the effect of sequence changes on RNA splicing suggest that this variant may disrupt the consensus splice site. Disruption of this splice site has been observed in individual(s) with nail patella syndrome (PMID: 9837817, 15498463). This variant is not present in population databases (gnomAD no frequency). This sequence change affects a donor splice site in intron 5 of the LMX1B gene. It is expected to disrupt RNA splicing. Variants that disrupt the donor or acceptor splice site typically lead to a loss of protein function (PMID: 16199547), and loss-of-function variants in LMX1B are known to be pathogenic (PMID: 9590287, 15498463).

Literature cited by the submitters: PubMed 9837817; PubMed 15498463; PubMed 16199547; PubMed 9590287.

NM_001174147.2(LMX1B):c.819+2T>G

Gene: LMX1B (LIM homeobox transcription factor 1 beta; plus strand). Cytogenetic location: 9q33.3.
Variant type: single nucleotide variant.
Coding change: c.819+2T>G on transcript NM_001174147.2 (MANE Select); the canonical splice donor site of the intron after coding-DNA position 819, T replaced by G.
Molecular consequence: splice donor variant.
Genome position (GRCh38, 1-based): chr9:126,693,603, T>G. VCF-style: chr9-126693603-T-G. GRCh37 (hg19) VCF-style: chr9-129455882-T-G.
Other names: c.819+2T>G (NM_001174146.2, NM_002316.4).
Identifiers: ClinVar variation 1457461 (VCV001457461.6), dbSNP rs2118992878, ClinGen allele CA374913976.